The following is an entry in ClinVar:

NM_000059.4(BRCA2):c.8432A>G (p.Asp2811Gly)

Gene: BRCA2 (BRCA2 DNA repair associated; plus strand). Cytogenetic location: 13q13.1.
Variant type: single nucleotide variant.
Coding change: c.8432A>G on transcript NM_000059.4 (MANE Select); coding-DNA position 8432, A replaced by G.
Protein change: p.Asp2811Gly; replaces aspartic acid 2811 with glycine.
Molecular consequence: missense variant.
Genome position (GRCh38, 1-based): chr13:32,370,502, A>G. VCF-style: chr13-32370502-A-G. GRCh37 (hg19) VCF-style: chr13-32944639-A-G.
Other names: short protein forms D2811G.
Identifiers: ClinVar variation 52585 (VCV000052585.30), dbSNP rs80359090, ClinGen allele CA025642.
Genomic context (GRCh38, chr13:32,370,502, plus strand): 5'-AACTTGGATTCTTTCCTGACCCTAGACCTTTTCCTCTGCCCTTATCATCGCTTTTCAGTG[A>G]TGGAGGAAATGTTGGTTGTGTTGATGTAATTATTCAAAGAGCATACCCTATACAGGTATG-3'
Protein context (NP_000050.3, residues 2801-2821): FPLPLSSLFS[Asp2811Gly]GGNVGCVDVI

ClinVar aggregate classification (germline): Conflicting classifications of pathogenicity. Review status: criteria provided, conflicting classifications (1 of 4 stars). 11 submissions from 11 submitters: Uncertain significance (5); Likely benign (4). 2 of the submissions do not count toward it. Last evaluated 2025-10-23.

Conditions:
BRCA2-related disorder. Also called: BRCA2-related condition; BRCA2-related disorders. Identifiers: MedGen CN239275.
Familial prostate cancer. Also called: Hereditary Prostate Cancer. Identifiers: MedGen C2931456, MONDO:0700275, OMIM 176807.
Hereditary cancer-predisposing syndrome. Also called: Neoplastic Syndromes, Hereditary; Tumor predisposition; Hereditary Cancer Syndrome; Hereditary neoplastic syndrome. Identifiers: Orphanet 140162, MedGen C0027672, MeSH D009386, MONDO:0015356.
Hereditary breast ovarian cancer syndrome. Also called: Breast and ovarian cancer; Hereditary breast and ovarian cancer; Hereditary breast and ovarian cancer syndrome (HBOC); Hereditary breast and ovarian cancer syndrome; BRCA1- and BRCA2-Associated Hereditary Breast and Ovarian Cancer; Hereditary breast and/or ovarian cancer syndrome. Identifiers: Orphanet 145, MedGen C0677776, MeSH D061325, MONDO:0003582. Disease mechanism: loss of function.
Breast-ovarian cancer, familial, susceptibility to, 2 (BROVCA2). Also called: BRCA2 Hereditary Breast and Ovarian Cancer. Identifiers: Orphanet 145, MedGen C2675520, MONDO:0012933, OMIM 612555. Disease mechanism: loss of function.

Allele frequency attached by ClinVar (database versions not stated): ExAC 0.00001; gnomAD 0.00001; gnomAD exomes 0.00001; TOPMed 0.00001.
gnomAD v4.1: 16 of 1,613,870 alleles (0.00099%); highest among the groups gnomAD compares: East Asian, 0.0022%; no homozygotes.

Submissions (11):

Labcorp Genetics (formerly Invitae), Labcorp
Classification: Likely benign for Hereditary breast ovarian cancer syndrome. Last evaluated: 2025-10-23. Review status: criteria provided, single submitter. Criteria: Invitae Variant Classification Sherloc (09022015). Collection method: clinical testing. Allele origin: germline.

Ambry Genetics
Classification: Likely benign for Hereditary cancer-predisposing syndrome. Last evaluated: 2025-05-08. Review status: criteria provided, single submitter. Criteria: Ambry Variant Classification Scheme 2023. Collection method: clinical testing. Allele origin: germline.

Mayo Clinic Laboratories, Mayo Clinic
Classification: Uncertain significance. Last evaluated: 2024-08-19. Review status: criteria provided, single submitter. Criteria: ACMG Guidelines, 2015. Collection method: clinical testing. Allele origin: germline. Observed: 1 variant allele.

Quest Diagnostics Nichols Institute San Juan Capistrano
Classification: Uncertain significance. Last evaluated: 2024-07-03. Review status: criteria provided, single submitter. Criteria: Quest Diagnostics criteria. Collection method: clinical testing. Allele origin: unknown.
Comment: The BRCA2 c.8432A>G (p.Asp2811Gly) variant has been reported in the published literature in an individual with breast cancer (PMIDs: 10717622 (2000)). Multifactorial studies have suggested that this variant is likely to be neutral (PMIDs: 19043619 (2008), 31131967 (2019, and 31294896 (2019)). The frequency of this variant in the general population, 0.000008 (2/251384 chromosomes (Genome Aggregation Database)), is uninformative in the assessment of its pathogenicity. Analysis of this variant using bioinformatics tools for the prediction of the effect of amino acid changes on protein structure and function yielded predictions that this variant is damaging. Based on the available information, we are unable to determine the clinical significance of this variant.

All of Us Research Program, National Institutes of Health
Classification: Likely benign for Breast-ovarian cancer, familial, susceptibility to, 2. Last evaluated: 2023-08-23. Review status: criteria provided, single submitter. Criteria: ACMG Guidelines, 2015. Collection method: clinical testing. Allele origin: germline. Inheritance: Autosomal dominant inheritance. Observed: 1 variant allele, 1 heterozygote.
Comment: This study involves interpretation of variants in research participants for the purpose of population health screening. Participant phenotype was not available at the time of variant classification. Additional details can be found in publication PMID: 35346344, PMCID: PMC8962531

Women's Health and Genetics/Laboratory Corporation of America, LabCorp
Classification: Uncertain significance. Last evaluated: 2022-06-17. Review status: criteria provided, single submitter. Criteria: LabCorp Variant Classification Summary - May 2015. Collection method: clinical testing. Allele origin: germline.
Comment: Variant summary: BRCA2 c.8432A>G (p.Asp2811Gly) results in a non-conservative amino acid change in the encoded protein sequence. Three of five in-silico tools predict a damaging effect of the variant on protein function. The variant allele was found at a frequency of 8e-06 in 251384 control chromosomes. The available data on variant occurrences in the general population are insufficient to allow any conclusion about variant significance. c.8432A>G has been reported in the literature in an individual affected with early onset breast cancer (Malone_2000). This report does not provide unequivocal conclusions about association of the variant with Hereditary Breast And Ovarian Cancer Syndrome. Several publications have used a variety of in silico modelling tools to predict the impact of the variant on protein function and have classified it as having a neutral or likely benign effect (e.g. Karchin_2008, Padilla_2019, Cline_2019). For example, a recent report from the CAGI5 (fifth Critical Assessment of Genome Interpretation) Challenge has classified this variant as likely benign in a prediction protocol that includes assessment of the impact of this variant on splicing and protein function using four sets of predictors (Padilla_2019). This classification was also supported by consensus from six prediction teams in a second publication, also as part of the CAGI5 ENIGMA Challenge (Cline_2019). Five clinical diagnostic laboratories have submitted clinical-significance assessments for this variant to ClinVar after 2014. Two laboratories classified the variant as likely benign and three as VUS. . Based on the evidence outlined above, the variant was classified as VUS-possibly benign.

Department of Pathology and Laboratory Medicine, Sinai Health System
Classification: Uncertain significance for Familial prostate cancer. Last evaluated: 2021-07-26. Review status: criteria provided, single submitter. Criteria: ACMG Guidelines, 2015. Collection method: clinical testing. Allele origin: germline. Affected: yes.

Laboratory for Molecular Medicine, Mass General Brigham Personalized Medicine
Classification: Uncertain significance. Last evaluated: 2016-06-16. Review status: criteria provided, single submitter. Criteria: LMM Criteria. Collection method: clinical testing. Allele origin: germline.
Comment: Variant identified in a genome or exome case(s) and assessed due to predicted null impact of the variant or pathogenic assertions in the literature or databases. Disclaimer: This variant has not undergone full assessment. The following are preliminary notes: Reported in 1 paper; ClinVar: 1 VUS

Color Diagnostics, LLC DBA Color Health
Classification: Likely benign for Hereditary cancer-predisposing syndrome. Last evaluated: 2016-04-21. Review status: criteria provided, single submitter. Criteria: ACMG Guidelines, 2015. Collection method: clinical testing. Allele origin: germline.

PreventionGenetics, part of Exact Sciences
Classification: Uncertain significance for BRCA2-related condition. Last evaluated: 2024-08-09. Review status: no assertion criteria provided. Collection method: clinical testing. Allele origin: germline. Not counted in ClinVar's aggregate classification.
Comment: The BRCA2 c.8432A>G variant is predicted to result in the amino acid substitution p.Asp2811Gly. This variant was reported in an individual with breast cancer (Malone et al. 2000. PubMed ID: 10717622). This variant is reported in 0.0054% of alleles in individuals of East Asian descent in gnomAD, and has conflicting interpretations of pathogenicity in ClinVar ranging from likely benign to uncertain. At this time, the clinical significance of this variant is uncertain due to the absence of conclusive functional and genetic evidence.

Breast Cancer Information Core (BIC) (BRCA2)
Classification: Uncertain significance for Breast-ovarian cancer, familial 2. Last evaluated: 2002-05-29. Review status: no assertion criteria provided. Collection method: clinical testing. Allele origin: germline. Affected: yes. Observed: 3 variant alleles. Not counted in ClinVar's aggregate classification.

Literature cited by the submitters: PubMed 10717622 (cited by 5 submitters); PubMed 19043619 (cited by 3 submitters); PubMed 31131967 (cited by Mayo Clinic Laboratories, Mayo Clinic and Quest Diagnostics Nichols Institute San Juan Capistrano); PubMed 31294896 (cited by Quest Diagnostics Nichols Institute San Juan Capistrano and Women's Health and Genetics/Laboratory Corporation of America, LabCorp); PubMed 32906206 (cited by Quest Diagnostics Nichols Institute San Juan Capistrano); PubMed 31112341 (cited by Women's Health and Genetics/Laboratory Corporation of America, LabCorp).